The following is an entry in ClinVar:

ClinVar aggregate classification (germline): Benign/Likely benign. Review status: criteria provided, multiple submitters, no conflicts (2 of 4 stars). 6 submissions from 6 submitters: Benign (3); Likely benign (3). Last evaluated 2026-08-24.

Conditions:
SRCAP-related disorder. Also called: SRCAP-related condition.

Allele frequency attached by ClinVar (database versions not stated): gnomAD exomes 0.00028 and 0.00079; ExAC 0.00081; ESP Exome Variant Server 0.00254; 1000 Genomes Project 30x 0.00265; 1000 Genomes Project 0.00280; gnomAD 0.00296 and 0.00314; TOPMed 0.00329.
gnomAD v4.1: 871 of 1,614,212 alleles (0.054%); highest among the groups gnomAD compares: African/African-American, 1%; 7 homozygotes.

Submissions (6):

PreventionGenetics, part of Exact Sciences
Classification: Likely benign for SRCAP-related condition. Last evaluated: 2026-08-24. Review status: criteria provided, single submitter. Criteria: ACMG Guidelines, 2015. Collection method: clinical testing. Allele origin: germline.
Comment: This variant is classified as likely benign based on ACMG/AMP sequence variant interpretation guidelines (Richards et al. 2015 PMID: 25741868, with internal and published modifications).

Women's Health and Genetics/Laboratory Corporation of America, LabCorp
Classification: Likely benign. Last evaluated: 2026-05-12. Review status: criteria provided, single submitter. Criteria: LabCorp Variant Classification Summary - May 2015. Collection method: clinical testing. Allele origin: germline.

Labcorp Genetics (formerly Invitae), Labcorp
Classification: Benign. Last evaluated: 2025-11-01. Review status: criteria provided, single submitter. Criteria: Invitae Variant Classification Sherloc (09022015). Collection method: clinical testing. Allele origin: germline.

Blueprint Genetics
Classification: Likely benign. Last evaluated: 2024-11-08. Review status: criteria provided, single submitter. Criteria: ACMG Guidelines, 2015. Collection method: clinical testing. Allele origin: germline.

Eurofins Ntd Llc (ga)
Classification: Benign. Last evaluated: 2015-09-02. Review status: criteria provided, single submitter. Criteria: EGL Classification Definitions 2015. Collection method: clinical testing. Allele origin: germline. Observed: 1 variant allele, 1 heterozygote.

Breakthrough Genomics
Classification: Benign. Review status: criteria provided, single submitter. Criteria: ACMG Guidelines, 2015. Collection method: not provided. Allele origin: germline. Inheritance: Autosomal dominant inheritance. Affected: yes.

NM_006662.3(SRCAP):c.2589G>A (p.Lys863=)

Gene: SRCAP (Snf2 related CREBBP activator protein; plus strand). Cytogenetic location: 16p11.2.
Variant type: single nucleotide variant.
Coding change: c.2589G>A on transcript NM_006662.3 (MANE Select); coding-DNA position 2589, G replaced by A.
Protein change: p.Lys863=; no amino-acid change (lysine 863 retained).
Molecular consequence: synonymous variant.
Genome position (GRCh38, 1-based): chr16:30,716,161, G>A. VCF-style: chr16-30716161-G-A. GRCh37 (hg19) VCF-style: chr16-30727482-G-A.
Identifiers: ClinVar variation 282976 (VCV000282976.18), dbSNP rs151062043, ClinGen allele CA8011245.